The following is an entry in ClinVar:

ClinVar aggregate classification (germline): Conflicting classifications of pathogenicity. Review status: criteria provided, conflicting classifications (1 of 4 stars). 7 submissions from 7 submitters: Pathogenic (3); Likely pathogenic (3); Uncertain significance (1). Last evaluated 2026-01-26.

Conditions:
Choanal atresia-athelia-hypothyroidism-delayed puberty-short stature syndrome (BCAHH). Also called: BRANCHIAL ARCH ABNORMALITIES, CHOANAL ATRESIA, ATHELIA, HEARING LOSS, AND HYPOTHYROIDISM SYNDROME. Identifiers: Orphanet 589856, MedGen C5680310, MONDO:0035651, OMIM 620186.
Kabuki syndrome 1 (KABUK1). Also called: KMT2D-Related Kabuki Syndrome. Identifiers: Orphanet 2322, MedGen CN030661, MONDO:0007843, OMIM 147920.
Kabuki syndrome. Also called: NIIKAWA-KUROKI SYNDROME; Kabuki make-up syndrome. Identifiers: Orphanet 2322, MedGen C0796004, MONDO:0016512.

Submissions (7):

Medical and Scientific Branch, Hong Kong Genome Institute
Classification: Likely pathogenic for Choanal atresia-athelia-hypothyroidism-delayed puberty-short stature syndrome. Last evaluated: 2026-01-26. Review status: criteria provided, single submitter. Criteria: ACMG Guidelines, 2015. Collection method: clinical testing. Allele origin: de novo. Affected: yes.

Labcorp Genetics (formerly Invitae), Labcorp
Classification: Pathogenic for Kabuki syndrome. Last evaluated: 2025-08-21. Review status: criteria provided, single submitter. Criteria: Invitae Variant Classification Sherloc (09022015). Collection method: clinical testing. Allele origin: germline.
Comment: This sequence change replaces isoleucine, which is neutral and non-polar, with threonine, which is neutral and polar, at codon 3532 of the KMT2D protein (p.Ile3532Thr). This variant is not present in population databases (gnomAD no frequency). This missense change has been observed in individual(s) with KMT2D-related conditions (PMID: 35973905; internal data). In at least one individual the variant was observed to be de novo. ClinVar contains an entry for this variant (Variation ID: 989257). Invitae Evidence Modeling of protein sequence and biophysical properties (such as structural, functional, and spatial information, amino acid conservation, physicochemical variation, residue mobility, and thermodynamic stability) has been performed for this missense variant. However, the output from this modeling did not meet the statistical confidence thresholds required to predict the impact of this variant on KMT2D protein function. For these reasons, this variant has been classified as Pathogenic.

3billion
Classification: Pathogenic for Kabuki syndrome 1. Last evaluated: 2025-06-23. Review status: criteria provided, single submitter. Criteria: ACMG Guidelines, 2015. Collection method: clinical testing. Allele origin: germline. Affected: yes.
Comment: The variant is not observed in the gnomAD v4.1.0 dataset. Predicted Consequence/Location: Missense variant The same nucleotide change resulting in the same amino acid change has been previously reported as pathogenic/likely pathogenic with strong evidence (ClinVar ID: VCV000989257 /PMID: 35973905). The variant has been previously reported as de novo in a similarly affected individual (PMID: 35973905). Therefore, this variant is classified as Pathogenic according to the recommendation of ACMG/AMP guideline.

GeneDx
Classification: Pathogenic. Last evaluated: 2024-07-17. Review status: criteria provided, single submitter. Criteria: GeneDx Variant Classification Process June 2021. Collection method: clinical testing. Allele origin: germline. Affected: yes.
Comment: In silico analysis supports that this missense variant has a deleterious effect on protein structure/function; Not observed at significant frequency in large population cohorts (gnomAD); This variant is associated with the following publications: (PMID: 33777394, 35973905)

Fulgent Genetics
Classification: Likely pathogenic for Kabuki syndrome 1; Choanal atresia-athelia-hypothyroidism-delayed puberty-short stature syndrome. Last evaluated: 2024-05-28. Review status: criteria provided, single submitter. Criteria: ACMG Guidelines, 2015. Collection method: clinical testing. Allele origin: germline.

Illumina Laboratory Services, Illumina
Classification: Uncertain significance for Kabuki syndrome 1. Last evaluated: 2019-02-26. Review status: criteria provided, single submitter. Criteria: ICSLVariantClassificationCriteria RUGD 01 April 2020. Collection method: clinical testing. Allele origin: unknown.
Comment: The KMT2D c.10595T>C (p.Ile3532Thr) variant is a missense variant. A literature search was performed for the gene, cDNA and amino acid change. No publications were found based on this search. This variant is not found in the Genome Aggregation Database. Although Kabuki syndrome is typically associated with protein-truncating variants, there are several studies that report on patients with missense variants in the KMT2D gene (Banka et al. 2012; Cheon et al. 2015; Cocciadiferro et al. 2018). Several patients with variants in KMT2D have been reported to have a variable presentation, such as absence or variability of the characteristic facial appearance of Kabuki syndrome (Banka et al. 2012; Lu et al. 2016). Based on the limited evidence, the p.Ile3532Thr variant is classified as a variant of uncertain significance for Kabuki syndrome.

Center for Genomics, Ann and Robert H. Lurie Children's Hospital of Chicago
Classification: Likely pathogenic for Choanal atresia-athelia-hypothyroidism-delayed puberty-short stature syndrome; Kabuki syndrome 1. Review status: criteria provided, single submitter. Criteria: ACMG Guidelines, 2015. Collection method: clinical testing. Allele origin: germline.
Comment: KMT2D NM_003482.3 exon38 p.Ile3532Thr (c.10595T>C): This variant has not been reported in the literature but has been identified by another testing laboratory as de novo in one of our patients. This variant is not present in large control databases. Evolutionary conservation and computational predictive tools suggest that this variant may impact the protein. In summary, data on this variant is highly suspicious for disease, but requires further evidence for pathogenicity. Therefore, this variant is classified as likely pathogenic.

Literature cited by the submitters: PubMed 35973905 (cited by Labcorp Genetics (formerly Invitae), Labcorp and 3billion); PubMed 22126750 (cited by Illumina Laboratory Services, Illumina); PubMed 26512256 (cited by Illumina Laboratory Services, Illumina); PubMed 27573763 (cited by Illumina Laboratory Services, Illumina); PubMed 30107592 (cited by Illumina Laboratory Services, Illumina).

NM_003482.4(KMT2D):c.10595T>C (p.Ile3532Thr)

Gene: KMT2D (lysine methyltransferase 2D; minus strand). Cytogenetic location: 12q13.12.
Variant type: single nucleotide variant.
Coding change: c.10595T>C on transcript NM_003482.4 (MANE Select); coding-DNA position 10595, T replaced by C.
Protein change: p.Ile3532Thr; replaces isoleucine 3532 with threonine.
Molecular consequence: missense variant.
Genome position (GRCh38, 1-based): chr12:49,034,212, A>G on the plus strand (T>C on the coding strand, the complement: KMT2D is on the minus strand). VCF-style: chr12-49034212-A-G. GRCh37 (hg19) VCF-style: chr12-49427995-A-G.
Other names: short protein forms I3532T.
Identifiers: ClinVar variation 989257 (VCV000989257.17), dbSNP rs1943100257, ClinGen allele CA384728088.